The following is an entry in ClinVar:

ClinVar aggregate classification (germline): other (0 of 4 stars; one submission).

Conditions:
Familial colorectal cancer. Identifiers: MedGen CN280943, MONDO:0023113. Disease mechanism: loss of function.

Allele frequency attached by ClinVar (database versions not stated): 1000 Genomes Project 0.62001; gnomAD 0.53814 and 0.54685; TOPMed 0.55984; 1000 Genomes Project 30x 0.61758.
gnomAD v4.1: 83,136 of 152,032 alleles (55%); highest among the groups gnomAD compares: East Asian, 82%; 23,292 homozygotes.

Submission:

Systems Biology Platform Zhejiang California International NanoSystems Institute
Classification: other for Familial colorectal cancer. Review status: no assertion criteria provided. Collection method: not provided. Allele origin: unknown.
ClinVar note: Converted during submission from cancer to other.

NM_000038.6(APC):c.1744-2518G>C

Gene: APC (APC regulator of WNT signaling pathway; plus strand). Cytogenetic location: 5q22.2.
Variant type: single nucleotide variant.
Coding change: c.1744-2518G>C on transcript NM_000038.6 (MANE Select); 2518 bases into the intron before coding-DNA position 1744, G replaced by C.
Molecular consequence: intron variant.
Genome position (GRCh38, 1-based): chr5:112,832,433, G>C. VCF-style: chr5-112832433-G-C. GRCh37 (hg19) VCF-style: chr5-112168130-G-C.
Other names: c.1744-2518G>C (NM_001354895.2, NM_001127510.3); c.1774-2518G>C (NM_001354897.2); c.1471-2518G>C (NM_001354902.2); c.1690-2518G>C (NM_001127511.3); c.1669-2518G>C (NM_001354898.2); c.1366-2518G>C (NM_001354904.2); c.895-2518G>C (NM_001354906.2); c.1798-2518G>C (NM_001354896.2); and 5 more.
Identifiers: ClinVar variation 83187 (VCV000083187.2), dbSNP rs2909787, ClinGen allele CA005848.